The following is an entry in ClinVar:

NM_000382.3(ALDH3A2):c.421dup (p.Glu141fs)

Gene: ALDH3A2 (aldehyde dehydrogenase 3 family member A2; plus strand). Cytogenetic location: 17p11.2.
Variant type: Duplication.
Coding change: c.421dup on transcript NM_000382.3 (MANE Select); coding-DNA position 421, one base duplicated (G; older notation c.421dupG).
Protein change: p.Glu141fs; shifts the reading frame from glutamic acid 141.
Molecular consequence: frameshift variant. On other transcripts: 5 prime UTR variant (1).
Genome position (GRCh38, 1-based): chr17:19,652,582, G duplicated. VCF-style (leftmost placement, unchanged base first): chr17-19652581-T-TG. GRCh37 (hg19) VCF-style: chr17-19555894-T-TG.
Other names: c.421dup, p.Glu141fs (NM_001031806.2, NM_001369136.1, NM_001369137.2 and 3 more transcripts); c.-268dup (NM_001369148.2); short protein forms E141fs.
Identifiers: ClinVar variation 3382809 (VCV003382809.2).

ClinVar aggregate classification (germline): Pathogenic (1 of 4 stars; one submission).

Conditions:
Sjögren-Larsson syndrome (SLS). Also called: FALDH DEFICIENCY; FATTY ALCOHOL:NAD+ OXIDOREDUCTASE DEFICIENCY; FATTY ALDEHYDE DEHYDROGENASE DEFICIENCY; ICHTHYOSIS, SPASTIC NEUROLOGIC DISORDER, AND OLIGOPHRENIA. Identifiers: Orphanet 816, MedGen C0037231, MONDO:0010031, OMIM 270200.

Submission:

Juno Genomics, Hangzhou Juno Genomics, Inc
Classification: Pathogenic for Sjögren-Larsson syndrome. Review status: criteria provided, single submitter. Criteria: ACMG Guidelines, 2015. Collection method: clinical testing. Allele origin: germline. Affected: yes.
Comment: Absent from controls (or at extremely low frequency if recessive) in Genome Aggregation Database, Exome Sequencing Project, 1000 Genomes Project, or Exome Aggregation Consortium.;Null variant in a gene where loss of function (LOF) is a known mechanism of disease.;For recessive disorders, detected in trans with a pathogenic variant.;Patient's phenotype or family history is highly specific for a disease with a single genetic etiology.